The following is an entry in ClinVar:

ClinVar aggregate classification (germline): Uncertain significance. Review status: criteria provided, multiple submitters, no conflicts (2 of 4 stars). 2 submissions from 2 submitters: Uncertain significance (2). Last evaluated 2025-02-09.

Conditions:
Hereditary cancer-predisposing syndrome. Also called: Tumor predisposition; Hereditary Cancer Syndrome; Neoplastic Syndromes, Hereditary; Hereditary neoplastic syndrome. Identifiers: Orphanet 140162, MedGen C0027672, MeSH D009386, MONDO:0015356.
Hereditary nonpolyposis colorectal neoplasms. Identifiers: MedGen C0009405, MeSH D003123.

Submissions (2):

Labcorp Genetics (formerly Invitae), Labcorp
Classification: Uncertain significance for Hereditary nonpolyposis colorectal neoplasms. Last evaluated: 2025-02-09. Review status: criteria provided, single submitter. Criteria: Invitae Variant Classification Sherloc (09022015). Collection method: clinical testing. Allele origin: germline.
Comment: This sequence change replaces threonine, which is neutral and polar, with alanine, which is neutral and non-polar, at codon 848 of the MSH6 protein (p.Thr848Ala). This variant is not present in population databases (gnomAD no frequency). This variant has not been reported in the literature in individuals affected with MSH6-related conditions. ClinVar contains an entry for this variant (Variation ID: 1792843). Invitae Evidence Modeling of protein sequence and biophysical properties (such as structural, functional, and spatial information, amino acid conservation, physicochemical variation, residue mobility, and thermodynamic stability) indicates that this missense variant is not expected to disrupt MSH6 protein function with a negative predictive value of 95%. In summary, the available evidence is currently insufficient to determine the role of this variant in disease. Therefore, it has been classified as a Variant of Uncertain Significance.

Ambry Genetics
Classification: Uncertain significance for Hereditary cancer-predisposing syndrome. Last evaluated: 2019-08-09. Review status: criteria provided, single submitter. Criteria: Ambry Variant Classification Scheme 2023. Collection method: clinical testing. Allele origin: germline.
Comment: The p.T848A variant (also known as c.2542A>G), located in coding exon 4 of the MSH6 gene, results from an A to G substitution at nucleotide position 2542. The threonine at codon 848 is replaced by alanine, an amino acid with similar properties. This amino acid position is not well conserved in available vertebrate species. In addition, this alteration is predicted to be tolerated by in silico analysis. Since supporting evidence is limited at this time, the clinical significance of this alteration remains unclear.

NM_000179.3(MSH6):c.2542A>G (p.Thr848Ala)

Gene: MSH6 (mutS homolog 6; plus strand). Cytogenetic location: 2p16.3.
Variant type: single nucleotide variant.
Coding change: c.2542A>G on transcript NM_000179.3 (MANE Select); coding-DNA position 2542, A replaced by G.
Protein change: p.Thr848Ala; replaces threonine 848 with alanine.
Molecular consequence: missense variant.
Genome position (GRCh38, 1-based): chr2:47,800,525, A>G. VCF-style: chr2-47800525-A-G. GRCh37 (hg19) VCF-style: chr2-48027664-A-G.
Other names: c.2152A>G, p.Thr718Ala (NM_001281492.2); c.1636A>G, p.Thr546Ala (NM_001281493.2, NM_001281494.2, NM_001406811.1 and 6 more transcripts); c.2638A>G, p.Thr880Ala (NM_001406795.1, NM_001406802.1); c.2542A>G, p.Thr848Ala (NM_001406796.1, NM_001406798.1, NM_001406800.1 and 2 more transcripts); c.2245A>G, p.Thr749Ala (NM_001406797.1, NM_001406801.1, NM_001406805.1 and 10 more transcripts); c.2017A>G, p.Thr673Ala (NM_001406799.1, NM_001406806.1, NM_001406807.1); c.2464A>G, p.Thr822Ala (NM_001406804.1); c.2548A>G, p.Thr850Ala (NM_001406813.1); and 1 more; short protein forms T546A, T673A, T848A, T850A, T749A, T718A, T880A, T792A.
Identifiers: ClinVar variation 1792843 (VCV001792843.3), dbSNP rs2104411722, ClinGen allele CA346754536.